The following is an entry in ClinVar:

NM_023110.2(FGFR1):c.-751C>T

Gene: FGFR1 (fibroblast growth factor receptor 1; minus strand). Cytogenetic location: 8p11.23.
Variant type: single nucleotide variant.
Coding change: c.-751C>T on transcript NM_023110.2; 751 bases upstream of the start codon, C replaced by T.
Genome position (GRCh38, 1-based): chr8:38,468,643, G>A on the plus strand (C>T on the coding strand, the complement: FGFR1 is on the minus strand). VCF-style: chr8-38468643-G-A. GRCh37 (hg19) VCF-style: chr8-38326161-G-A.
Identifiers: ClinVar variation 362920 (VCV000362920.8), dbSNP rs2445003, ClinGen allele CA10630988.

ClinVar aggregate classification (germline): Benign. Review status: criteria provided, multiple submitters, no conflicts (2 of 4 stars). 5 submissions from 2 submitters: Benign (5). Last evaluated 2018-01-13.

Conditions:
Trigonocephaly 1 (TRIGNO1). Identifiers: Orphanet 3366, MedGen C0432122, MONDO:0008603, OMIM 190440.
Osteoglophonic dysplasia (OGD). Also called: Osteoglophonic dwarfism. Identifiers: Orphanet 2645, MedGen C0432283, MONDO:0008150, OMIM 166250.
Hypogonadotropic hypogonadism 2 with or without anosmia (HH2). Also called: FGFR1-Related GnRH Deficiency (Kallmann Syndrome 2); HYPOGONADOTROPIC HYPOGONADISM 2 WITHOUT ANOSMIA; HYPOGONADOTROPIC HYPOGONADISM 2 WITH OR WITHOUT ANOSMIA, SUSCEPTIBILITY TO; HYPOGONADOTROPIC HYPOGONADISM 2 WITHOUT ANOSMIA, SUSCEPTIBILITY TO. Identifiers: Orphanet 478, MedGen C1563720, MONDO:0007844, OMIM 147950. Disease mechanism: loss of function.
Craniosynostosis syndrome. Also called: Craniosynostosis. Identifiers: Orphanet 1531, MedGen C0010278, MeSH D003398, MONDO:0015469, HP:0001363.

Allele frequency attached by ClinVar (database versions not stated): 1000 Genomes Project 30x 0.95081; gnomAD 0.95502 and 0.95803; gnomAD exomes 0.99189; TOPMed 0.95286; 1000 Genomes Project 0.95687.

Submissions (5):

Illumina Laboratory Services, Illumina
Classification: Benign for Trigonocephaly 1. Last evaluated: 2018-01-13. Review status: criteria provided, single submitter. Criteria: ICSL Variant Classification Criteria 13 December 2019. Collection method: clinical testing. Allele origin: germline.
Comment: This variant was observed in the ICSL laboratory as part of a predisposition screen in an ostensibly healthy population. It had not been previously curated by ICSL or reported in the Human Gene Mutation Database (HGMD: prior to June 1st, 2018), and was therefore a candidate for classification through an automated scoring system. Utilizing variant allele frequency, disease prevalence and penetrance estimates, and inheritance mode, an automated score was calculated to assess if this variant is too frequent to cause the disease. Based on the score and internal cut-off values, a variant classified as benign is not then subjected to further curation. The score for this variant resulted in a classification of benign for this disease.

Illumina Laboratory Services, Illumina
Classification: Benign for Craniosynostosis. Last evaluated: 2018-01-13. Review status: criteria provided, single submitter. Criteria: ICSL Variant Classification Criteria 13 December 2019. Collection method: clinical testing. Allele origin: germline.
Comment: the same text as in the submission from Illumina Laboratory Services, Illumina above.

Illumina Laboratory Services, Illumina
Classification: Benign for Hypogonadotropic hypogonadism 2 with or without anosmia. Last evaluated: 2018-01-13. Review status: criteria provided, single submitter. Criteria: ICSL Variant Classification Criteria 13 December 2019. Collection method: clinical testing. Allele origin: germline.
Comment: the same text as in the submission from Illumina Laboratory Services, Illumina above.

Illumina Laboratory Services, Illumina
Classification: Benign for Osteoglophonic dysplasia. Last evaluated: 2018-01-13. Review status: criteria provided, single submitter. Criteria: ICSL Variant Classification Criteria 13 December 2019. Collection method: clinical testing. Allele origin: germline.
Comment: the same text as in the submission from Illumina Laboratory Services, Illumina above.

Breakthrough Genomics
Classification: Benign. Review status: criteria provided, single submitter. Criteria: ACMG Guidelines, 2015. Collection method: not provided. Allele origin: germline. Inheritance: Autosomal dominant inheritance. Affected: yes.